The following is an entry in ClinVar:

NM_024753.5(TTC21B):c.*1225C>T

Gene: TTC21B (tetratricopeptide repeat domain 21B; minus strand). Cytogenetic location: 2q24.3.
Variant type: single nucleotide variant.
Coding change: c.*1225C>T on transcript NM_024753.5 (MANE Select); 1225 bases downstream of the stop codon, C replaced by T.
Molecular consequence: 3 prime UTR variant.
Genome position (GRCh38, 1-based): chr2:165,873,530, G>A on the plus strand (C>T on the coding strand, the complement: TTC21B is on the minus strand). VCF-style: chr2-165873530-G-A. GRCh37 (hg19) VCF-style: chr2-166730040-G-A.
Identifiers: ClinVar variation 893037 (VCV000893037.4), dbSNP rs60399987, ClinGen allele CA59762178.
Genomic context (GRCh38, chr2:165,873,530, plus strand): 5'-TAAGGATTAAGTTTAGATTAGGTTAAATTTAGTGTAAGAGAGTGAAAGCTTCTATGCCAG[G>A]GTGCTGTTAAACAGAGCTGGGTAAACCGTTGCCTTCACATGGTGTGCTTTGTGACTCCCT-3'

ClinVar aggregate classification (germline): Likely benign. Review status: criteria provided, single submitter (1 of 4 stars). 2 submissions from 1 submitter: Likely benign (2). Last evaluated 2018-01-13.

Conditions:
Nephronophthisis 12 (NPHP12). Identifiers: Orphanet 655, MedGen C3151186, MONDO:0013442, OMIM 613820.
Asphyxiating thoracic dystrophy 4 (SRTD4). Also called: SHORT-RIB THORACIC DYSPLASIA 4 WITH OR WITHOUT POLYDACTYLY; SHORT-RIB THORACIC DYSPLASIA 4. Identifiers: Orphanet 474, MedGen C3151185, MONDO:0013441, OMIM 613819.

Allele frequency attached by ClinVar (database versions not stated): gnomAD 0.00391 and 0.00424; 1000 Genomes Project 0.00439; TOPMed 0.00465; 1000 Genomes Project 30x 0.00531.

Submissions (2):

Illumina Laboratory Services, Illumina
Classification: Likely benign for Nephronophthisis 12. Last evaluated: 2018-01-13. Review status: criteria provided, single submitter. Criteria: ICSL Variant Classification Criteria 13 December 2019. Collection method: clinical testing. Allele origin: germline.
Comment: This variant was observed in the ICSL laboratory as part of a predisposition screen in an ostensibly healthy population. It had not been previously curated by ICSL or reported in the Human Gene Mutation Database (HGMD: prior to June 1st, 2018), and was therefore a candidate for classification through an automated scoring system. Utilizing variant allele frequency, disease prevalence and penetrance estimates, and inheritance mode, an automated score was calculated to assess if this variant is too frequent to cause the disease. Based on the score and internal cut-off values, a variant classified as likely benign is not then subjected to further curation. The score for this variant resulted in a classification of likely benign for this disease.

Illumina Laboratory Services, Illumina
Classification: Likely benign for Asphyxiating thoracic dystrophy 4. Last evaluated: 2018-01-13. Review status: criteria provided, single submitter. Criteria: ICSL Variant Classification Criteria 13 December 2019. Collection method: clinical testing. Allele origin: germline.
Comment: the same text as in the submission from Illumina Laboratory Services, Illumina above.